The following is an entry in ClinVar:

ClinVar aggregate classification (germline): Uncertain significance (1 of 4 stars; one submission).

Allele frequency attached by ClinVar (database versions not stated): TOPMed 0.00001.

Submission:

Labcorp Genetics (formerly Invitae), Labcorp
Classification: Uncertain significance. Last evaluated: 2022-03-09. Review status: criteria provided, single submitter. Criteria: Invitae Variant Classification Sherloc (09022015). Collection method: clinical testing. Allele origin: germline.
Comment: This sequence change replaces alanine, which is neutral and non-polar, with valine, which is neutral and non-polar, at codon 10 of the ADAMTS18 protein (p.Ala10Val). This variant is not present in population databases (gnomAD no frequency). This variant has not been reported in the literature in individuals affected with ADAMTS18-related conditions. Algorithms developed to predict the effect of missense changes on protein structure and function are either unavailable or do not agree on the potential impact of this missense change (SIFT: "Not Available"; PolyPhen-2: "Possibly Damaging"; Align-GVGD: "Not Available"). Algorithms developed to predict the effect of sequence changes on RNA splicing suggest that this variant may create or strengthen a splice site. In summary, the available evidence is currently insufficient to determine the role of this variant in disease. Therefore, it has been classified as a Variant of Uncertain Significance.

NM_199355.4(ADAMTS18):c.29C>T (p.Ala10Val)

Gene: ADAMTS18 (ADAM metallopeptidase with thrombospondin type 1 motif 18; minus strand). Cytogenetic location: 16q23.1.
Variant type: single nucleotide variant.
Coding change: c.29C>T on transcript NM_199355.4 (MANE Select); coding-DNA position 29, C replaced by T.
Protein change: p.Ala10Val; replaces alanine 10 with valine.
Molecular consequence: missense variant. On other transcripts: 5 prime UTR variant (1).
Genome position (GRCh38, 1-based): chr16:77,434,667, G>A on the plus strand (C>T on the coding strand, the complement: ADAMTS18 is on the minus strand). VCF-style: chr16-77434667-G-A. GRCh37 (hg19) VCF-style: chr16-77468564-G-A.
Other names: c.-492C>T (NM_001326358.2); short protein forms A10V.
Identifiers: ClinVar variation 1498957 (VCV001498957.8), dbSNP rs1675250394, ClinGen allele CA396851971.